The following is an entry in ClinVar:

ClinVar aggregate classification (germline): Uncertain significance. Review status: criteria provided, multiple submitters, no conflicts (2 of 4 stars). 2 submissions from 2 submitters: Uncertain significance (2). Last evaluated 2025-10-07.

Conditions:
Cardiovascular phenotype. Identifiers: MedGen CN230736.
Hereditary cancer-predisposing syndrome. Also called: Neoplastic Syndromes, Hereditary; Tumor predisposition; Hereditary Cancer Syndrome; Hereditary neoplastic syndrome. Identifiers: Orphanet 140162, MedGen C0027672, MeSH D009386, MONDO:0015356.

Allele frequency attached by ClinVar (database versions not stated): TOPMed below 0.00001.
gnomAD v4.1: 3 of 1,588,362 alleles (0.00019%); highest among the groups gnomAD compares: Non-Finnish European, 0.00017%; no homozygotes.

Submissions (2):

Ambry Genetics
Classification: Uncertain significance for Cardiovascular phenotype; Hereditary cancer-predisposing syndrome. Last evaluated: 2025-10-07. Review status: criteria provided, single submitter. Criteria: Ambry Variant Classification Scheme 2023. Collection method: clinical testing. Allele origin: germline.
Comment: The p.R294H variant (also known as c.881G>A), located in coding exon 9 of the LZTR1 gene, results from a G to A substitution at nucleotide position 881. The arginine at codon 294 is replaced by histidine, an amino acid with highly similar properties. This amino acid position is highly conserved in available vertebrate species. In addition, this alteration is predicted to be deleterious by in silico analysis. Based on the available evidence, the clinical significance of this variant remains unclear.

Labcorp Genetics (formerly Invitae), Labcorp
Classification: Uncertain significance. Last evaluated: 2024-09-03. Review status: criteria provided, single submitter. Criteria: Invitae Variant Classification Sherloc (09022015). Collection method: clinical testing. Allele origin: germline.
Comment: This sequence change replaces arginine, which is basic and polar, with histidine, which is basic and polar, at codon 294 of the LZTR1 protein (p.Arg294His). This variant is not present in population databases (gnomAD no frequency). This variant has not been reported in the literature in individuals affected with LZTR1-related conditions. ClinVar contains an entry for this variant (Variation ID: 1764774). Invitae Evidence Modeling of protein sequence and biophysical properties (such as structural, functional, and spatial information, amino acid conservation, physicochemical variation, residue mobility, and thermodynamic stability) indicates that this missense variant is not expected to disrupt LZTR1 protein function with a negative predictive value of 80%. In summary, the available evidence is currently insufficient to determine the role of this variant in disease. Therefore, it has been classified as a Variant of Uncertain Significance.

NM_006767.4(LZTR1):c.881G>A (p.Arg294His)

Gene: LZTR1 (leucine zipper like post translational regulator 1; plus strand). Cytogenetic location: 22q11.21.
Variant type: single nucleotide variant.
Coding change: c.881G>A on transcript NM_006767.4 (MANE Select); coding-DNA position 881, G replaced by A.
Protein change: p.Arg294His; replaces arginine 294 with histidine.
Molecular consequence: missense variant.
Genome position (GRCh38, 1-based): chr22:20,991,717, G>A. VCF-style: chr22-20991717-G-A. GRCh37 (hg19) VCF-style: chr22-21346006-G-A.
Other names: short protein forms R294H.
Identifiers: ClinVar variation 1764774 (VCV001764774.8), dbSNP rs1924613014, ClinGen allele CA410781337.